The following is an entry in ClinVar:

NM_004525.3(LRP2):c.4436G>A (p.Arg1479His)

Gene: LRP2 (LDL receptor related protein 2; minus strand). Cytogenetic location: 2q31.1.
Variant type: single nucleotide variant.
Coding change: c.4436G>A on transcript NM_004525.3 (MANE Select); coding-DNA position 4436, G replaced by A.
Protein change: p.Arg1479His; replaces arginine 1479 with histidine.
Molecular consequence: missense variant.
Genome position (GRCh38, 1-based): chr2:169,238,161, C>T on the plus strand (G>A on the coding strand, the complement: LRP2 is on the minus strand). VCF-style: chr2-169238161-C-T. GRCh37 (hg19) VCF-style: chr2-170094671-C-T.
Other names: c.4436G>A (NM_004525.2); short protein forms R1479H.
Identifiers: ClinVar variation 1499654 (VCV001499654.10), dbSNP rs774823133, ClinGen allele CA1954804.
Genomic context (GRCh38, chr2:169,238,161, plus strand): 5'-TCCGTTCCATTTTGAAACGCACTCCAGGTTTTACCCTGAGTTGCATCAGACCAAAAGATA[C>T]GACCACTAATTGAATCAAAATCAACAGCTACAATGTAAGAACCATTCTCGACCAATGAAT-3'
Protein context (NP_004516.2, residues 1469-1489): VAVDFDSISG[Arg1479His]IFWSDATQGK

ClinVar aggregate classification (germline): Uncertain significance. Review status: criteria provided, multiple submitters, no conflicts (2 of 4 stars). 5 submissions from 5 submitters: Uncertain significance (5). Last evaluated 2026-03-24.

Conditions:
Inborn genetic diseases. Identifiers: MedGen C0950123, MeSH D030342.
Donnai-Barrow syndrome. Also called: DBS/FOAR SYNDROME; FACIOOCULOACOUSTICORENAL SYNDROME. Identifiers: Orphanet 2143, MedGen C1857277, MONDO:0009104, OMIM 222448.

Allele frequency attached by ClinVar (database versions not stated): gnomAD exomes 0.00005 and 0.00009; TOPMed 0.00001; gnomAD 0.00004 and 0.00001; ExAC 0.00009.
gnomAD v4.1: 77 of 1,614,018 alleles (0.0048%); highest among the groups gnomAD compares: South Asian, 0.054%; no homozygotes.

Submissions (5):

GeneDx
Classification: Uncertain significance. Last evaluated: 2026-03-24. Review status: criteria provided, single submitter. Criteria: GeneDx Variant Classification Process June 2021. Collection method: clinical testing. Allele origin: germline.
Comment: In silico analysis supports that this missense variant has a deleterious effect on protein structure/function; Has not been previously published as pathogenic or benign to our knowledge

Labcorp Genetics (formerly Invitae), Labcorp
Classification: Uncertain significance. Last evaluated: 2024-11-11. Review status: criteria provided, single submitter. Criteria: Invitae Variant Classification Sherloc (09022015). Collection method: clinical testing. Allele origin: germline.
Comment: This sequence change replaces arginine, which is basic and polar, with histidine, which is basic and polar, at codon 1479 of the LRP2 protein (p.Arg1479His). This variant is present in population databases (rs774823133, gnomAD 0.06%). This variant has not been reported in the literature in individuals affected with LRP2-related conditions. ClinVar contains an entry for this variant (Variation ID: 1499654). Invitae Evidence Modeling of protein sequence and biophysical properties (such as structural, functional, and spatial information, amino acid conservation, physicochemical variation, residue mobility, and thermodynamic stability) indicates that this missense variant is expected to disrupt LRP2 protein function with a positive predictive value of 95%. In summary, the available evidence is currently insufficient to determine the role of this variant in disease. Therefore, it has been classified as a Variant of Uncertain Significance.

Blueprint Genetics
Classification: Uncertain significance. Last evaluated: 2024-03-22. Review status: criteria provided, single submitter. Criteria: ACMG Guidelines, 2015. Collection method: clinical testing. Allele origin: germline.

Ambry Genetics
Classification: Uncertain significance for Inborn genetic diseases. Last evaluated: 2021-07-15. Review status: criteria provided, single submitter. Criteria: Ambry Variant Classification Scheme 2023. Collection method: clinical testing. Allele origin: germline.

Neuberg Centre For Genomic Medicine, NCGM
Classification: Uncertain significance for Donnai-Barrow syndrome. Review status: criteria provided, single submitter. Criteria: ACMG Guidelines, 2015. Collection method: clinical testing. Allele origin: germline. Inheritance: Autosomal recessive inheritance. Affected: yes.
Comment: The observed missense c.4436G>Ap.Arg1479His variant in LRP2 gene has not been reported previously as a pathogenic variant nor a benign variant, to our knowledge. The p.Arg1479His variant is present with allele frequency of 0.009% in gnomAD Exomes. This variant has been submitted to the ClinVar database as Uncertain Significance. Multiple lines of computational evidences Polyphen - Probably damaging, SIFT - Damaging and MutationTaster - Disease causing predict a damaging effect on protein structure and function for this variant. The reference amino acid change at this position on LRP2 gene is predicted as conserved by GERP++ and PhyloP across 100 vertebrates. The amino acid Arg at position 1479 is changed to a His changing protein sequence and it might alter its composition and physico-chemical properties. For these reasons, this variant has been classified as a Variant of Uncertain Significance VUS.